The following is an entry in ClinVar:

NM_024740.2(ALG9):c.1060A>T (p.Met354Leu)

Gene: ALG9 (ALG9 alpha-1,2-mannosyltransferase; minus strand). Cytogenetic location: 11q23.1.
Variant type: single nucleotide variant.
Coding change: c.1060A>T on transcript NM_024740.2 (MANE Select); coding-DNA position 1060, A replaced by T.
Protein change: p.Met354Leu; replaces methionine 354 with leucine.
Molecular consequence: missense variant. On other transcripts: non-coding transcript variant (1).
Genome position (GRCh38, 1-based): chr11:111,840,768, T>A on the plus strand (A>T on the coding strand, the complement: ALG9 is on the minus strand). VCF-style: chr11-111840768-T-A. GRCh37 (hg19) VCF-style: chr11-111711491-T-A.
Other names: c.472A>T, p.Met158Leu (NM_001352422.2); c.424A>T, p.Met142Leu (NM_001352423.2); c.1060A>T, p.Met354Leu (NM_001077690.1, NM_001352417.1); c.547A>T, p.Met183Leu (NM_001077691.2, NM_001077692.2, NM_001352409.1 and 10 more transcripts); c.937A>T, p.Met313Leu (NM_001352418.1); short protein forms M354L, M158L, M183L, M142L, M313L.
Identifiers: ClinVar variation 2110275 (VCV002110275.4), dbSNP rs574044580, ClinGen allele CA382597493.

ClinVar aggregate classification (germline): Uncertain significance (1 of 4 stars; one submission).

Conditions:
ALG9 congenital disorder of glycosylation (CDG1L). Also called: CONGENITAL DISORDER OF GLYCOSYLATION, TYPE Il; ALG9-CDG; CDG Il. Identifiers: Orphanet 79328, MedGen C2931006, MONDO:0012117, OMIM 608776.

Submission:

Labcorp Genetics (formerly Invitae), Labcorp
Classification: Uncertain significance for ALG9 congenital disorder of glycosylation. Last evaluated: 2025-12-09. Review status: criteria provided, single submitter. Criteria: Invitae Variant Classification Sherloc (09022015). Collection method: clinical testing. Allele origin: germline.
Comment: This sequence change replaces methionine, which is neutral and non-polar, with leucine, which is neutral and non-polar, at codon 354 of the ALG9 protein (p.Met354Leu). This variant is not present in population databases (gnomAD no frequency). This variant has not been reported in the literature in individuals affected with ALG9-related conditions. ClinVar contains an entry for this variant (Variation ID: 2110275). Experimental studies and prediction algorithms are not available or were not evaluated, and the functional significance of this variant is currently unknown. In summary, the available evidence is currently insufficient to determine the role of this variant in disease. Therefore, it has been classified as a Variant of Uncertain Significance.